The following is an entry in ClinVar:

ClinVar aggregate classification (germline): Likely benign. Review status: criteria provided, multiple submitters, no conflicts (2 of 4 stars). 4 submissions from 4 submitters: Likely benign (4). Last evaluated 2026-07-01.

Allele frequency attached by ClinVar (database versions not stated): TOPMed 0.00011; gnomAD exomes 0.00012 and 0.00013; gnomAD 0.00016; ExAC 0.00019; 1000 Genomes Project 0.00020; 1000 Genomes Project 30x 0.00031; ESP Exome Variant Server 0.00046.
gnomAD v4.1: 196 of 1,607,780 alleles (0.012%); highest among the groups gnomAD compares: Non-Finnish European, 0.016%; no homozygotes.

Submissions (4):

CeGaT Center for Human Genetics Tuebingen
Classification: Likely benign. Last evaluated: 2026-07-01. Review status: criteria provided, single submitter. Criteria: CeGaT Center For Human Genetics Tuebingen Variant Classification Criteria Version 2. Collection method: clinical testing. Allele origin: germline. Affected: yes. Observed: 2 variant alleles.
Comment: VAC14: BP4, BP7

Labcorp Genetics (formerly Invitae), Labcorp
Classification: Likely benign. Last evaluated: 2026-01-16. Review status: criteria provided, single submitter. Criteria: Invitae Variant Classification Sherloc (09022015). Collection method: clinical testing. Allele origin: germline.

Blueprint Genetics
Classification: Likely benign. Last evaluated: 2024-09-03. Review status: criteria provided, single submitter. Criteria: ACMG Guidelines, 2015. Collection method: clinical testing. Allele origin: germline.

Breakthrough Genomics
Classification: Likely benign. Review status: criteria provided, single submitter. Criteria: ACMG Guidelines, 2015. Collection method: not provided. Allele origin: germline. Inheritance: Autosomal recessive inheritance. Affected: yes.

NM_018052.5(VAC14):c.2124C>T (p.Ser708=)

Gene: VAC14 (VAC14 component of PIKFYVE complex; minus strand). Cytogenetic location: 16q22.1.
Variant type: single nucleotide variant.
Coding change: c.2124C>T on transcript NM_018052.5 (MANE Select); coding-DNA position 2124, C replaced by T.
Protein change: p.Ser708=; no amino-acid change (serine 708 retained).
Molecular consequence: synonymous variant.
Genome position (GRCh38, 1-based): chr16:70,692,883, G>A on the plus strand (C>T on the coding strand, the complement: VAC14 is on the minus strand). VCF-style: chr16-70692883-G-A. GRCh37 (hg19) VCF-style: chr16-70726786-G-A.
Other names: c.1422C>T, p.Ser474= (NM_001351157.2).
Identifiers: ClinVar variation 795950 (VCV000795950.35), dbSNP rs140883176, ClinGen allele CA8147396.
Genomic context (GRCh38, chr16:70,692,883, plus strand): 5'-GGTCTGCAGCAGCTCAGGGTTGGGCACGCACTGGAGCCGGTGCGAGAGCAGCTGGAAGGC[G>A]CTGCTCTGCGGCAGGAGCATGAGCAGGCCGTAGAGGGCCTTGATCAGGTAGGGGTTGTTC-3'
Protein context (NP_060522.3, residues 698-718): YGLLMLLPQS[Ser708=]AFQLLSHRLQ